The following is an entry in ClinVar:

ClinVar aggregate classification (germline): Uncertain significance (1 of 4 stars; one submission).

Allele frequency attached by ClinVar (database versions not stated): gnomAD exomes below 0.00001.
gnomAD v4.1: 1 of 1,614,236 alleles (0.000062%); highest among the groups gnomAD compares: Non-Finnish European, 0.000085%; no homozygotes.

Submission:

Labcorp Genetics (formerly Invitae), Labcorp
Classification: Uncertain significance. Last evaluated: 2022-06-27. Review status: criteria provided, single submitter. Criteria: Invitae Variant Classification Sherloc (09022015). Collection method: clinical testing. Allele origin: germline.
Comment: In summary, the available evidence is currently insufficient to determine the role of this variant in disease. Therefore, it has been classified as a Variant of Uncertain Significance. Algorithms developed to predict the effect of missense changes on protein structure and function output the following: SIFT: "Tolerated"; PolyPhen-2: "Benign"; Align-GVGD: "Class C0". The aspartic acid amino acid residue is found in multiple mammalian species, which suggests that this missense change does not adversely affect protein function. This variant has not been reported in the literature in individuals affected with LIPG-related conditions. This variant is not present in population databases (gnomAD no frequency). This sequence change replaces histidine, which is basic and polar, with aspartic acid, which is acidic and polar, at codon 61 of the LIPG protein (p.His61Asp).

NM_006033.4(LIPG):c.181C>G (p.His61Asp)

Gene: LIPG (lipase G, endothelial type; plus strand). Cytogenetic location: 18q21.1.
Variant type: single nucleotide variant.
Coding change: c.181C>G on transcript NM_006033.4 (MANE Select); coding-DNA position 181, C replaced by G.
Protein change: p.His61Asp; replaces histidine 61 with aspartic acid.
Molecular consequence: missense variant.
Genome position (GRCh38, 1-based): chr18:49,565,400, C>G. VCF-style: chr18-49565400-C-G. GRCh37 (hg19) VCF-style: chr18-47091770-C-G.
Other names: c.181C>G, p.His61Asp (NM_001308006.2); short protein forms H61D.
Identifiers: ClinVar variation 1936533 (VCV001936533.5), dbSNP rs2511292767, ClinGen allele CA402418007.